The following is an entry in ClinVar:

NM_000350.3(ABCA4):c.3557C>T (p.Thr1186Ile)

Gene: ABCA4 (ATP binding cassette subfamily A member 4; minus strand). Cytogenetic location: 1p22.1.
Variant type: single nucleotide variant.
Coding change: c.3557C>T on transcript NM_000350.3 (MANE Select); coding-DNA position 3557, C replaced by T.
Protein change: p.Thr1186Ile; replaces threonine 1186 with isoleucine.
Molecular consequence: missense variant.
Genome position (GRCh38, 1-based): chr1:94,040,093, G>A on the plus strand (C>T on the coding strand, the complement: ABCA4 is on the minus strand). VCF-style: chr1-94040093-G-A. GRCh37 (hg19) VCF-style: chr1-94505649-G-A.
Other names: c.3335C>T, p.Thr1112Ile (NM_001425324.1); short protein forms T1112I, T1186I.
Identifiers: ClinVar variation 3619173 (VCV003619173.2).

ClinVar aggregate classification (germline): Uncertain significance (1 of 4 stars; one submission).

gnomAD v4.1: 1 of 1,610,460 alleles (0.000062%); highest among the groups gnomAD compares: Admixed American, 0.0017%; no homozygotes.

Submission:

Labcorp Genetics (formerly Invitae), Labcorp
Classification: Uncertain significance. Last evaluated: 2024-09-29. Review status: criteria provided, single submitter. Criteria: Invitae Variant Classification Sherloc (09022015). Collection method: clinical testing. Allele origin: germline.
Comment: This sequence change replaces threonine, which is neutral and polar, with isoleucine, which is neutral and non-polar, at codon 1186 of the ABCA4 protein (p.Thr1186Ile). This variant is not present in population databases (gnomAD no frequency). This variant has not been reported in the literature in individuals affected with ABCA4-related conditions. Invitae Evidence Modeling of protein sequence and biophysical properties (such as structural, functional, and spatial information, amino acid conservation, physicochemical variation, residue mobility, and thermodynamic stability) indicates that this missense variant is not expected to disrupt ABCA4 protein function with a negative predictive value of 95%. In summary, the available evidence is currently insufficient to determine the role of this variant in disease. Therefore, it has been classified as a Variant of Uncertain Significance.